The following is an entry in ClinVar:

ClinVar aggregate classification (germline): Likely pathogenic (1 of 4 stars; one submission).

Conditions:
Autosomal recessive limb-girdle muscular dystrophy type 2J (LGMDR10). Also called: Limb-girdle muscular dystrophy, type 2J; MUSCULAR DYSTROPHY, LIMB-GIRDLE, AUTOSOMAL RECESSIVE 10. Identifiers: Orphanet 140922, MedGen C1837342, MONDO:0012127, OMIM 608807.
Dilated cardiomyopathy 1G (CMD1G). Identifiers: Orphanet 154, MedGen C1858763, MONDO:0011400, OMIM 604145.

Submission:

Labcorp Genetics (formerly Invitae), Labcorp
Classification: Likely pathogenic for Dilated cardiomyopathy 1G; Autosomal recessive limb-girdle muscular dystrophy type 2J. Last evaluated: 2025-05-04. Review status: criteria provided, single submitter. Criteria: Invitae Variant Classification Sherloc (09022015). Collection method: clinical testing. Allele origin: germline.
Comment: This sequence change creates a premature translational stop signal (p.Lys15215Leufs*7) in the TTN gene. While this is not anticipated to result in nonsense mediated decay, it is expected to create a truncated TTN protein. This variant is not present in population databases (gnomAD no frequency). This variant has not been reported in the literature in individuals affected with TTN-related conditions. This variant is located in the I band of TTN (PMID: 25589632). Truncating variants in this region have been reported in individuals affected with autosomal recessive centronuclear myopathy (PMID: 23975875, internal data). Truncating variants in this region have also been identified in individuals affected with autosomal dominant dilated cardiomyopathy and/or cardio-related conditions (PMID: 27869827, 32964742, internal data). In summary, the currently available evidence indicates that the variant is pathogenic, but additional data are needed to prove that conclusively. Therefore, this variant has been classified as Likely Pathogenic.

Literature cited by the submitters: PubMed 25589632; PubMed 23975875; PubMed 27869827; PubMed 32964742.

NM_001267550.2(TTN):c.45638_45642dup (p.Lys15215fs)

Gene: TTN (titin; minus strand). Cytogenetic location: 2q31.2.
Variant type: Duplication.
Coding change: c.45638_45642dup on transcript NM_001267550.2 (MANE Select); coding-DNA positions 45638 to 45642, 5 bases duplicated (CTCTT; older notation c.45638_45642dupCTCTT).
Protein change: p.Lys15215fs; shifts the reading frame from lysine 15215.
Molecular consequence: frameshift variant.
Genome position (GRCh38, 1-based): chr2:178,620,968-178,620,972, AAGAG duplicated on the plus strand (CTCTT on the coding strand, the reverse complement: TTN is on the minus strand). VCF-style (leftmost placement, unchanged base first): chr2-178620967-T-TAAGAG. GRCh37 (hg19) VCF-style: chr2-179485694-T-TAAGAG.
Other names: c.40715_40719dup, p.Lys13574fs (NM_001256850.1); c.18443_18447dup, p.Lys6150fs (NM_003319.4); c.37934_37938dup, p.Lys12647fs (NM_133378.4); c.18818_18822dup, p.Lys6275fs (NM_133432.3); c.19019_19023dup, p.Lys6342fs (NM_133437.4); short protein forms K6342fs, K12647fs, K13574fs, K15215fs, K6275fs, K6150fs.
Identifiers: ClinVar variation 4788241 (VCV004788241.1).